The following is an entry in ClinVar:

NM_004380.3(CREBBP):c.2881-18C>A

Gene: CREBBP (CREB binding lysine acetyltransferase; minus strand). Cytogenetic location: 16p13.3.
Variant type: single nucleotide variant.
Coding change: c.2881-18C>A on transcript NM_004380.3 (MANE Select); 18 bases into the intron before coding-DNA position 2881, C replaced by A.
Molecular consequence: intron variant.
Genome position (GRCh38, 1-based): chr16:3,769,371, G>T on the plus strand (C>A on the coding strand, the complement: CREBBP is on the minus strand). VCF-style: chr16-3769371-G-T. GRCh37 (hg19) VCF-style: chr16-3819372-G-T.
Other names: c.2767-18C>A (NM_001079846.1); c.2881-18C>A (NM_004380.2).
Identifiers: ClinVar variation 3001515 (VCV003001515.4), dbSNP rs750996342, ClinGen allele CA7869999.
Genomic context (GRCh38, chr16:3,769,371, plus strand): 5'-GGGTAGGGACTCTGTTATCAATGCTGGCTGCTGCCTGGGAAAGCTGTGAAAAAACCGAAA[G>T]CACTGACTTCAGTAAGCAAGGTAACATAAATGATCTTCAACTATGCTGCTCATGCAACCT-3'

ClinVar aggregate classification (germline): Likely benign. Review status: criteria provided, single submitter (1 of 4 stars). 2 submissions from 2 submitters: Likely benign (1). 1 of the submissions does not count toward it. Last evaluated 2024-07-19.

Conditions:
Rubinstein-Taybi syndrome (RSTS). Identifiers: Orphanet 783, MedGen C0035934, MONDO:0019188.
CREBBP-related disorder. Also called: CREBBP-related condition; CREBBP-related disorders.

Allele frequency attached by ClinVar (database versions not stated): gnomAD exomes below 0.00001; TOPMed below 0.00001; ExAC 0.00001; gnomAD 0.00001.
gnomAD v4.1: 3 of 1,613,990 alleles (0.00019%); highest among the groups gnomAD compares: Admixed American, 0.0033%; no homozygotes.

Submissions (2):

Labcorp Genetics (formerly Invitae), Labcorp
Classification: Likely benign for Rubinstein-Taybi syndrome. Last evaluated: 2024-07-19. Review status: criteria provided, single submitter. Criteria: Invitae Variant Classification Sherloc (09022015). Collection method: clinical testing. Allele origin: germline.

PreventionGenetics, part of Exact Sciences
Classification: Likely benign for CREBBP-related condition. Last evaluated: 2024-01-03. Review status: no assertion criteria provided. Collection method: clinical testing. Allele origin: germline. Not counted in ClinVar's aggregate classification.
Comment: This variant is classified as likely benign based on ACMG/AMP sequence variant interpretation guidelines (Richards et al. 2015 PMID: 25741868, with internal and published modifications).